The following is an entry in ClinVar:

NM_153717.3(EVC):c.278C>G (p.Ser93Trp)

Gene: EVC (EvC ciliary complex subunit 1; plus strand). Cytogenetic location: 4p16.2.
Variant type: single nucleotide variant.
Coding change: c.278C>G on transcript NM_153717.3 (MANE Select); coding-DNA position 278, C replaced by G.
Protein change: p.Ser93Trp; replaces serine 93 with tryptophan.
Molecular consequence: missense variant.
Genome position (GRCh38, 1-based): chr4:5,719,351, C>G. VCF-style: chr4-5719351-C-G. GRCh37 (hg19) VCF-style: chr4-5721078-C-G.
Other names: c.278C>G, p.Ser93Trp (NM_001306090.2, NM_001306092.2); short protein forms S93W.
Identifiers: ClinVar variation 3375125 (VCV003375125.1).
Genomic context (GRCh38, chr4:5,719,351, plus strand): 5'-CGCAGACCCCCTCGGAAACTGGCTCCCCATCAAGGAGGAGGAAGAGAGAAGTGCAGATGT[C>G]GAAGGACAAGGAAGCTGTTGATGTAAGCTTGGTGTTGATGTTTGTTTGTGGAGGCACATG-3'
Protein context (NP_714928.1, residues 83-103): SRRRKREVQM[Ser93Trp]KDKEAVDECE

ClinVar aggregate classification (germline): Uncertain significance (1 of 4 stars; one submission).

Submission:

Women's Health and Genetics/Laboratory Corporation of America, LabCorp
Classification: Uncertain significance. Last evaluated: 2024-09-03. Review status: criteria provided, single submitter. Criteria: LabCorp Variant Classification Summary - May 2015. Collection method: clinical testing. Allele origin: germline.
Comment: Variant summary: EVC c.278C>G (p.Ser93Trp) results in a non-conservative amino acid change in the encoded protein sequence. Three of five in-silico tools predict a damaging effect of the variant on protein function. The variant was absent in 251314 control chromosomes. The available data on variant occurrences in the general population are insufficient to allow any conclusion about variant significance. To our knowledge, no occurrence of c.278C>G in individuals affected with Ellis-van Creveld syndrome and no experimental evidence demonstrating its impact on protein function have been reported. No submitters have cited clinical-significance assessments for this variant to ClinVar. Based on the evidence outlined above, the variant was classified as uncertain significance.